The following is an entry in ClinVar:

ClinVar aggregate classification (germline): Uncertain significance. Review status: criteria provided, multiple submitters, no conflicts (2 of 4 stars). 3 submissions from 3 submitters: Uncertain significance (3). Last evaluated 2026-02-01.

Conditions:
Idiopathic Pulmonary Fibrosis. Also called: Idiopathic fibrosing alveolitis, chronic form; idiopathic fibrosing alveolitis. Identifiers: Orphanet 2032, MedGen C1800706, MeSH D054990, MONDO:0800504.
Dyskeratosis congenita, autosomal dominant 2. Identifiers: MedGen C3151443, MONDO:0013521, OMIM 613989.
Dyskeratosis congenita. Identifiers: Orphanet 1775, MedGen C0265965, MONDO:0015780.

Allele frequency attached by ClinVar (database versions not stated): TOPMed below 0.00001.

Submissions (3):

Labcorp Genetics (formerly Invitae), Labcorp
Classification: Uncertain significance for Dyskeratosis congenita, autosomal dominant 2; Idiopathic Pulmonary Fibrosis. Last evaluated: 2026-02-01. Review status: criteria provided, single submitter. Criteria: Invitae Variant Classification Sherloc (09022015). Collection method: clinical testing. Allele origin: germline.
Comment: This sequence change replaces threonine, which is neutral and polar, with methionine, which is neutral and non-polar, at codon 262 of the TERT protein (p.Thr262Met). This variant is not present in population databases (gnomAD no frequency). This variant has not been reported in the literature in individuals affected with TERT-related conditions. ClinVar contains an entry for this variant (Variation ID: 964640). Invitae Evidence Modeling of protein sequence and biophysical properties (such as structural, functional, and spatial information, amino acid conservation, physicochemical variation, residue mobility, and thermodynamic stability) indicates that this missense variant is expected to disrupt TERT protein function with a positive predictive value of 95%. In summary, the available evidence is currently insufficient to determine the role of this variant in disease. Therefore, it has been classified as a Variant of Uncertain Significance.

Ambry Genetics
Classification: Uncertain significance for Dyskeratosis congenita. Last evaluated: 2024-09-30. Review status: criteria provided, single submitter. Criteria: Ambry Variant Classification Scheme 2023. Collection method: clinical testing. Allele origin: germline.
Comment: The p.T262M variant (also known as c.785C>T), located in coding exon 2 of the TERT gene, results from a C to T substitution at nucleotide position 785. The threonine at codon 262 is replaced by methionine, an amino acid with similar properties. This amino acid position is conserved. In addition, this alteration is predicted to be tolerated by in silico analysis. Based on the available evidence, the clinical significance of this variant remains unclear.

GeneDx
Classification: Uncertain significance. Last evaluated: 2022-05-05. Review status: criteria provided, single submitter. Criteria: GeneDx Variant Classification Process June 2021. Collection method: clinical testing. Allele origin: germline. Affected: yes.
Comment: Not observed at significant frequency in large population cohorts (gnomAD); In silico analysis supports that this missense variant does not alter protein structure/function; Has not been previously published as pathogenic or benign to our knowledge

NM_198253.3(TERT):c.785C>T (p.Thr262Met)

Gene: TERT (telomerase reverse transcriptase; minus strand). Cytogenetic location: 5p15.33.
Variant type: single nucleotide variant.
Coding change: c.785C>T on transcript NM_198253.3 (MANE Select); coding-DNA position 785, C replaced by T.
Protein change: p.Thr262Met; replaces threonine 262 with methionine.
Molecular consequence: missense variant. On other transcripts: non-coding transcript variant (2).
Genome position (GRCh38, 1-based): chr5:1,294,101, G>A on the plus strand (C>T on the coding strand, the complement: TERT is on the minus strand). VCF-style: chr5-1294101-G-A. GRCh37 (hg19) VCF-style: chr5-1294216-G-A.
Other names: c.785C>T, p.Thr262Met (NM_001193376.3); short protein forms T262M.
Identifiers: ClinVar variation 964640 (VCV000964640.13), dbSNP rs150277224, ClinGen allele CA359056811.